The following is an entry in ClinVar:

ClinVar aggregate classification (germline): Uncertain significance. Review status: criteria provided, multiple submitters, no conflicts (2 of 4 stars). 2 submissions from 2 submitters: Uncertain significance (2). Last evaluated 2025-08-21.

Conditions:
Inborn genetic diseases. Identifiers: MedGen C0950123, MeSH D030342.
Severe myoclonic epilepsy in infancy (DRVT). Also called: Dravet syndrome; Epileptic encephalopathy, early infantile, 6 (Dravet syndrome); SEVERE MYOCLONIC EPILEPSY OF INFANCY; DEVELOPMENTAL AND EPILEPTIC ENCEPHALOPATHY 6A; Severe Myoclonic Epilepsy in Infancy (SMEI). Identifiers: Orphanet 33069, MedGen C0751122, MONDO:0100135, OMIM 607208.

Submissions (2):

Ambry Genetics
Classification: Uncertain significance for Inborn genetic diseases. Last evaluated: 2025-08-21. Review status: criteria provided, single submitter. Criteria: Ambry Variant Classification Scheme 2023. Collection method: clinical testing. Allele origin: germline.

3billion
Classification: Uncertain significance for Severe myoclonic epilepsy in infancy. Last evaluated: 2023-08-16. Review status: criteria provided, single submitter. Criteria: ACMG Guidelines, 2015. Collection method: clinical testing. Allele origin: germline. Affected: yes.
Comment: The variant is not observed in the gnomAD v2.1.1 dataset. Predicted Consequence/Location: Missense variant In silico tool predictions suggest damaging effect of the variant on gene or gene product [REVEL: 0.61 (>=0.6, sensitivity 0.68 and specificity 0.92)]. Therefore, this variant is classified as VUS according to the recommendation of ACMG/AMP guideline.

NM_001165963.4(SCN1A):c.3307A>G (p.Met1103Val)

Genes: SCN1A (sodium voltage-gated channel alpha subunit 1; minus strand), LOC102724058 (uncharacterized LOC102724058; plus strand). Cytogenetic location: 2q24.3.
Variant type: single nucleotide variant.
Coding change: c.3307A>G on transcript NM_001165963.4 (MANE Select); coding-DNA position 3307, A replaced by G.
Protein change: p.Met1103Val; replaces methionine 1103 with valine.
Molecular consequence: missense variant. On other transcripts: non-coding transcript variant (2).
Genome position (GRCh38, 1-based): chr2:166,036,170, T>C on the plus strand (A>G on the coding strand, the complement: SCN1A is on the minus strand). VCF-style: chr2-166036170-T-C. GRCh37 (hg19) VCF-style: chr2-166892680-T-C.
Other names: c.3223A>G, p.Met1075Val (NM_001165964.3, NM_001353957.2, NM_001353958.2); c.3307A>G, p.Met1103Val (NM_001202435.3, NM_001353948.2); c.3274A>G, p.Met1092Val (NM_001353949.2, NM_001353950.2, NM_001353951.2 and 2 more transcripts); c.3271A>G, p.Met1091Val (NM_001353954.2, NM_001353955.2); c.3220A>G, p.Met1074Val (NM_001353960.2); c.865A>G, p.Met289Val (NM_001353961.2); c.3307A>G (NM_001165963.1); short protein forms M1074V, M1075V, M1091V, M1092V, M1103V, M289V.
Identifiers: ClinVar variation 3775611 (VCV003775611.2).